The following is an entry in ClinVar:

NM_000059.4(BRCA2):c.8609A>G (p.Gln2870Arg)

Gene: BRCA2 (BRCA2 DNA repair associated; plus strand). Cytogenetic location: 13q13.1.
Variant type: single nucleotide variant.
Coding change: c.8609A>G on transcript NM_000059.4 (MANE Select); coding-DNA position 8609, A replaced by G.
Protein change: p.Gln2870Arg; replaces glutamine 2870 with arginine.
Molecular consequence: missense variant. On other transcripts: non-coding transcript variant (1).
Genome position (GRCh38, 1-based): chr13:32,371,077, A>G. VCF-style: chr13-32371077-A-G. GRCh37 (hg19) VCF-style: chr13-32945214-A-G.
Other names: c.8513A>G, p.Gln2838Arg (NM_001406719.1); c.8609A>G, p.Gln2870Arg (NM_001406720.1); c.3677A>G, p.Gln1226Arg (NM_001406721.1); c.2192A>G, p.Gln731Arg (NM_001406722.1); short protein forms Q1226R, Q2838R, Q731R, Q2870R.
Identifiers: ClinVar variation 2770884 (VCV002770884.3), dbSNP rs2137600971, ClinGen allele CA387752914.
Genomic context (GRCh38, chr13:32,371,077, plus strand): 5'-AAGCAGCAAAATATGTGGAGGCCCAACAAAAGAGACTAGAAGCCTTATTCACTAAAATTC[A>G]GGAGGAATTTGAAGAACATGAAGGTAAAATTAGTTATATGGTACACATTGTTATTTCTAA-3'
Protein context (NP_000050.3, residues 2860-2880): KRLEALFTKI[Gln2870Arg]EEFEEHEENT

ClinVar aggregate classification (germline): Uncertain significance (1 of 4 stars; one submission).

Conditions:
Hereditary breast ovarian cancer syndrome. Also called: Hereditary breast and ovarian cancer syndrome; Hereditary breast and ovarian cancer syndrome (HBOC); BRCA1- and BRCA2-Associated Hereditary Breast and Ovarian Cancer; Hereditary breast and ovarian cancer; Breast and ovarian cancer; Hereditary breast and/or ovarian cancer syndrome. Identifiers: Orphanet 145, MedGen C0677776, MeSH D061325, MONDO:0003582. Disease mechanism: loss of function.

Allele frequency attached by ClinVar (database versions not stated): gnomAD exomes below 0.00001.
gnomAD v4.1: 1 of 1,614,106 alleles (0.000062%); highest among the groups gnomAD compares: Non-Finnish European, 0.000085%; no homozygotes.

Submission:

Labcorp Genetics (formerly Invitae), Labcorp
Classification: Uncertain significance for Hereditary breast ovarian cancer syndrome. Last evaluated: 2023-10-27. Review status: criteria provided, single submitter. Criteria: Invitae Variant Classification Sherloc (09022015). Collection method: clinical testing. Allele origin: germline.
Comment: This sequence change replaces glutamine, which is neutral and polar, with arginine, which is basic and polar, at codon 2870 of the BRCA2 protein (p.Gln2870Arg). This variant is not present in population databases (gnomAD no frequency). This variant has not been reported in the literature in individuals affected with BRCA2-related conditions. Advanced modeling of protein sequence and biophysical properties (such as structural, functional, and spatial information, amino acid conservation, physicochemical variation, residue mobility, and thermodynamic stability) performed at Invitae indicates that this missense variant is not expected to disrupt BRCA2 protein function with a negative predictive value of 95%. In summary, the available evidence is currently insufficient to determine the role of this variant in disease. Therefore, it has been classified as a Variant of Uncertain Significance.